The following is an entry in ClinVar:

ClinVar aggregate classification (germline): Uncertain significance (1 of 4 stars; one submission).

Conditions:
PLXNA1-related disorder. Also called: PLXNA1-related condition.

gnomAD v4.1: 1 of 1,612,666 alleles (0.000062%); no homozygotes.

Submission:

PreventionGenetics, part of Exact Sciences
Classification: Uncertain significance for PLXNA1-related condition. Last evaluated: 2025-01-29. Review status: criteria provided, single submitter. Criteria: ACMG Guidelines, 2015. Collection method: clinical testing. Allele origin: germline.
Comment: The PLXNA1 c.3629C>A variant is predicted to result in the amino acid substitution p.Ala1210Glu. To our knowledge, this variant has not been reported in the literature or in a large population database (gnomAD), indicating this variant is rare. At this time, the clinical significance of this variant is uncertain due to the absence of conclusive functional and genetic evidence.

NM_032242.4(PLXNA1):c.3629C>A (p.Ala1210Glu)

Gene: PLXNA1 (plexin A1; plus strand). Cytogenetic location: 3q21.3.
Variant type: single nucleotide variant.
Coding change: c.3629C>A on transcript NM_032242.4 (MANE Select); coding-DNA position 3629, C replaced by A.
Protein change: p.Ala1210Glu; replaces alanine 1210 with glutamic acid.
Molecular consequence: missense variant.
Genome position (GRCh38, 1-based): chr3:127,017,861, C>A. VCF-style: chr3-127017861-C-A. GRCh37 (hg19) VCF-style: chr3-126736704-C-A.
Other names: short protein forms A1210E.
Identifiers: ClinVar variation 4997428 (VCV004997428.1).
Genomic context (GRCh38, chr3:127,017,861, plus strand): 5'-TGCTCATCGGCTCCACACCCTGTACCCTCACCGTGTCGGAGACGCAACTGCTGTGCGAGG[C>A]GCCCAACCTCACTGGGCAGCACAAGGTCACGGTGCGTCTGTCCACCGGGGGTGCAGAGCT-3'
Protein context (NP_115618.3, residues 1200-1220): TVSETQLLCE[Ala1210Glu]PNLTGQHKVT